The following is an entry in ClinVar:

NM_002769.5(PRSS1):c.269C>T (p.Ala90Val)

Genes: PRSS1 (serine protease 1; plus strand), TRB (T cell receptor beta locus; plus strand). Cytogenetic location: 7q34.
Variant type: single nucleotide variant.
Coding change: c.269C>T on transcript NM_002769.5 (MANE Select); coding-DNA position 269, C replaced by T.
Protein change: p.Ala90Val; replaces alanine 90 with valine.
Molecular consequence: missense variant.
Genome position (GRCh38, 1-based): chr7:142,751,842, C>T. VCF-style: chr7-142751842-C-T. GRCh37 (hg19) VCF-style: chr7-142459693-C-T.
Other names: short protein forms A90V.
Identifiers: ClinVar variation 1399743 (VCV001399743.8), dbSNP rs984312649, ClinGen allele CA168148485.

ClinVar aggregate classification (germline): Uncertain significance (1 of 4 stars; one submission).

Conditions:
Hereditary pancreatitis (PCTT). Also called: PRSS1-Related Hereditary Pancreatitis; Hereditary chronic pancreatitis. Identifiers: Orphanet 676, MedGen C0238339, MONDO:0008185, OMIM 167800.

Allele frequency attached by ClinVar (database versions not stated): gnomAD exomes below 0.00001 and 0.00001.
gnomAD v4.1: 3 of 1,614,110 alleles (0.00019%); highest among the groups gnomAD compares: South Asian, 0.0033%; no homozygotes.

Submission:

Labcorp Genetics (formerly Invitae), Labcorp
Classification: Uncertain significance for Hereditary pancreatitis. Last evaluated: 2022-01-26. Review status: criteria provided, single submitter. Criteria: Invitae Variant Classification Sherloc (09022015). Collection method: clinical testing. Allele origin: germline.
Comment: This sequence change replaces alanine, which is neutral and non-polar, with valine, which is neutral and non-polar, at codon 90 of the PRSS1 protein (p.Ala90Val). In summary, the available evidence is currently insufficient to determine the role of this variant in disease. Therefore, it has been classified as a Variant of Uncertain Significance. Algorithms developed to predict the effect of missense changes on protein structure and function (SIFT, PolyPhen-2, Align-GVGD) all suggest that this variant is likely to be tolerated. This variant has not been reported in the literature in individuals affected with PRSS1-related conditions. The frequency data for this variant in the population databases is considered unreliable, as metrics indicate poor data quality at this position in the gnomAD database.